The following is an entry in ClinVar:

NM_133433.4(NIPBL):c.1678G>T (p.Asp560Tyr)

Gene: NIPBL (NIPBL cohesin loading factor; plus strand). Cytogenetic location: 5p13.2.
Variant type: single nucleotide variant.
Coding change: c.1678G>T on transcript NM_133433.4 (MANE Select); coding-DNA position 1678, G replaced by T.
Protein change: p.Asp560Tyr; replaces aspartic acid 560 with tyrosine.
Molecular consequence: missense variant.
Genome position (GRCh38, 1-based): chr5:36,984,858, G>T. VCF-style: chr5-36984858-G-T. GRCh37 (hg19) VCF-style: chr5-36984960-G-T.
Other names: c.1678G>T, p.Asp560Tyr (NM_015384.5); short protein forms D560Y.
Identifiers: ClinVar variation 1810682 (VCV001810682.4), dbSNP rs2477919385, ClinGen allele CA359493889.

ClinVar aggregate classification (germline): Uncertain significance. Review status: criteria provided, multiple submitters, no conflicts (2 of 4 stars). 2 submissions from 2 submitters: Uncertain significance (2). Last evaluated 2023-10-07.

Conditions:
Cornelia de Lange syndrome 1 (CDLS1). Also called: Brachmann de Lange syndrome; TYPUS DEGENERATIVUS AMSTELODAMENSIS; NIPBL-Related Cornelia de Lange Syndrome. Identifiers: Orphanet 199, MedGen C4551851, MONDO:0007387, OMIM 122470.

Allele frequency attached by ClinVar (database versions not stated): gnomAD exomes below 0.00001.
gnomAD v4.1: 1 of 1,613,752 alleles (0.000062%); highest among the groups gnomAD compares: South Asian, 0.0011%; no homozygotes.

Submissions (2):

Labcorp Genetics (formerly Invitae), Labcorp
Classification: Uncertain significance for Cornelia de Lange syndrome 1. Last evaluated: 2023-10-07. Review status: criteria provided, single submitter. Criteria: Invitae Variant Classification Sherloc (09022015). Collection method: clinical testing. Allele origin: germline.
Comment: This sequence change replaces aspartic acid, which is acidic and polar, with tyrosine, which is neutral and polar, at codon 560 of the NIPBL protein (p.Asp560Tyr). This variant is not present in population databases (gnomAD no frequency). This variant has not been reported in the literature in individuals affected with NIPBL-related conditions. ClinVar contains an entry for this variant (Variation ID: 1810682). Advanced modeling of protein sequence and biophysical properties (such as structural, functional, and spatial information, amino acid conservation, physicochemical variation, residue mobility, and thermodynamic stability) has been performed at Invitae for this missense variant, however the output from this modeling did not meet the statistical confidence thresholds required to predict the impact of this variant on NIPBL protein function. In summary, the available evidence is currently insufficient to determine the role of this variant in disease. Therefore, it has been classified as a Variant of Uncertain Significance.

GeneDx
Classification: Uncertain significance. Last evaluated: 2022-07-06. Review status: criteria provided, single submitter. Criteria: GeneDx Variant Classification Process June 2021. Collection method: clinical testing. Allele origin: germline. Affected: yes.
Comment: Not observed at significant frequency in large population cohorts (gnomAD); In silico analysis supports that this missense variant does not alter protein structure/function; Has not been previously published as pathogenic or benign to our knowledge